The following is an entry in ClinVar:

NM_024426.6(WT1):c.836C>T (p.Thr279Ile)

Gene: WT1 (WT1 transcription factor; minus strand). Cytogenetic location: 11p13.
Variant type: single nucleotide variant.
Coding change: c.836C>T on transcript NM_024426.6 (MANE Select); coding-DNA position 836, C replaced by T.
Protein change: p.Thr279Ile; replaces threonine 279 with isoleucine.
Molecular consequence: missense variant. On other transcripts: non-coding transcript variant (2).
Genome position (GRCh38, 1-based): chr11:32,428,007, G>A on the plus strand (C>T on the coding strand, the complement: WT1 is on the minus strand). VCF-style: chr11-32428007-G-A. GRCh37 (hg19) VCF-style: chr11-32449553-G-A.
Other names: c.821C>T (NM_024426.4); c.836C>T, p.Thr279Ile (NM_000378.6, NM_001407044.1, NM_001407045.1 and 4 more transcripts); c.185C>T, p.Thr62Ile (NM_001198551.2, NM_001198552.2); c.713C>T, p.Thr238Ile (NM_001407047.1, NM_001407050.1); c.74C>T, p.Thr25Ile (NM_001407051.1); c.821C>T, p.Thr274Ile (NM_024425.2); short protein forms T274I, T238I, T25I, T279I, T62I.
Identifiers: ClinVar variation 2948348 (VCV002948348.4), dbSNP rs770366595, ClinGen allele CA065690.

ClinVar aggregate classification (germline): Uncertain significance. Review status: criteria provided, multiple submitters, no conflicts (2 of 4 stars). 2 submissions from 2 submitters: Uncertain significance (2). Last evaluated 2025-03-18.

Conditions:
Inborn genetic diseases. Identifiers: MedGen C0950123, MeSH D030342.
Drash syndrome (DDS). Also called: NEPHROPATHY, WILMS TUMOR, AND GENITAL ANOMALIES; WILMS TUMOR AND PSEUDO- OR TRUE HERMAPHRODITISM. Identifiers: Orphanet 220, MedGen C0950121, MONDO:0008682, OMIM 194080.
Wilms tumor 1 (WT1). Also called: Wilms tumor, somatic. Identifiers: Orphanet 654, MedGen CN033288, MONDO:0008679, OMIM 194070.
11p partial monosomy syndrome (WAGR). Also called: CHROMOSOME 11p13 DELETION SYNDROME; WAGR syndrome; WAGR Complex; WAGR Spectrum Disorder. Identifiers: Orphanet 893, MedGen C0206115, MONDO:0008681, OMIM 194072.
Frasier syndrome. Identifiers: Orphanet 347, MedGen C0950122, MeSH D052159, MONDO:0007635, OMIM 136680.

Allele frequency attached by ClinVar (database versions not stated): gnomAD exomes below 0.00001; TOPMed below 0.00001; ExAC 0.00001.
gnomAD v4.1: 1 of 1,611,554 alleles (0.000062%); highest among the groups gnomAD compares: African/African-American, 0.0013%; no homozygotes.

Submissions (2):

Ambry Genetics
Classification: Uncertain significance for Inborn genetic diseases. Last evaluated: 2025-03-18. Review status: criteria provided, single submitter. Criteria: Ambry Variant Classification Scheme 2023. Collection method: clinical testing. Allele origin: germline.
Comment: The p.T274I variant (also known as c.821C>T), located in coding exon 3 of the WT1 gene, results from a C to T substitution at nucleotide position 821. The threonine at codon 274 is replaced by isoleucine, an amino acid with similar properties. This amino acid position is conserved. In addition, the in silico prediction for this alteration is inconclusive. Based on the available evidence, the clinical significance of this variant remains unclear.

Labcorp Genetics (formerly Invitae), Labcorp
Classification: Uncertain significance for Wilms tumor 1; Drash syndrome; 11p partial monosomy syndrome; Frasier syndrome. Last evaluated: 2024-08-13. Review status: criteria provided, single submitter. Criteria: Invitae Variant Classification Sherloc (09022015). Collection method: clinical testing. Allele origin: germline.
Comment: This sequence change replaces threonine, which is neutral and polar, with isoleucine, which is neutral and non-polar, at codon 274 of the WT1 protein (p.Thr274Ile). This variant is present in population databases (rs770366595, gnomAD 0.007%). This variant has not been reported in the literature in individuals affected with WT1-related conditions. An algorithm developed to predict the effect of missense changes on protein structure and function (PolyPhen-2) suggests that this variant is likely to be disruptive. In summary, the available evidence is currently insufficient to determine the role of this variant in disease. Therefore, it has been classified as a Variant of Uncertain Significance.